The following is an entry in ClinVar:

ClinVar aggregate classification (germline): Uncertain significance (1 of 4 stars; one submission).

Allele frequency attached by ClinVar (database versions not stated): ExAC 0.00002; gnomAD 0.00003; TOPMed 0.00004.

Submission:

Labcorp Genetics (formerly Invitae), Labcorp
Classification: Uncertain significance. Last evaluated: 2022-03-15. Review status: criteria provided, single submitter. Criteria: Invitae Variant Classification Sherloc (09022015). Collection method: clinical testing. Allele origin: germline.
Comment: In summary, the available evidence is currently insufficient to determine the role of this variant in disease. Therefore, it has been classified as a Variant of Uncertain Significance. Algorithms developed to predict the effect of missense changes on protein structure and function (SIFT, PolyPhen-2, Align-GVGD) all suggest that this variant is likely to be tolerated. This variant has not been reported in the literature in individuals affected with C8A-related conditions. This variant is present in population databases (rs751849612, gnomAD 0.02%). This sequence change replaces alanine, which is neutral and non-polar, with aspartic acid, which is acidic and polar, at codon 82 of the C8A protein (p.Ala82Asp).

NM_000562.3(C8A):c.245C>A (p.Ala82Asp)

Gene: C8A (complement C8 alpha chain; plus strand). Cytogenetic location: 1p32.2.
Variant type: single nucleotide variant.
Coding change: c.245C>A on transcript NM_000562.3 (MANE Select); coding-DNA position 245, C replaced by A.
Protein change: p.Ala82Asp; replaces alanine 82 with aspartic acid.
Molecular consequence: missense variant.
Genome position (GRCh38, 1-based): chr1:56,875,022, C>A. VCF-style: chr1-56875022-C-A. GRCh37 (hg19) VCF-style: chr1-57340695-C-A.
Other names: short protein forms A82D.
Identifiers: ClinVar variation 2196480 (VCV002196480.4), dbSNP rs751849612, ClinGen allele CA874968.
Genomic context (GRCh38, chr1:56,875,022, plus strand): 5'-GCCTCTTGCAGCCAAACAAGTTTGGGGGAACCATCTGCAGTGGTGACATCTGGGATCAAG[C>A]CAGCTGCTCCAGTTCTACAACTTGTGTAAGGCAAGCACAGTGTGGACAGGATTTCCAGTG-3'
Protein context (NP_000553.1, residues 72-92): TICSGDIWDQ[Ala82Asp]SCSSSTTCVR